The following is an entry in ClinVar:

ClinVar aggregate classification (germline): Uncertain significance. Review status: criteria provided, multiple submitters, no conflicts (2 of 4 stars). 2 submissions from 2 submitters: Uncertain significance (2). Last evaluated 2025-05-08.

Conditions:
Hereditary cancer-predisposing syndrome. Also called: Tumor predisposition; Hereditary Cancer Syndrome; Hereditary neoplastic syndrome; Neoplastic Syndromes, Hereditary. Identifiers: Orphanet 140162, MedGen C0027672, MeSH D009386, MONDO:0015356.
Gastrointestinal stromal tumor. Also called: Gastrointestinal stroma tumor; Gastrointestinal stromal tumor, somatic. Identifiers: Orphanet 44890, MedGen C0238198, MeSH D046152, MONDO:0011719, OMIM 606764, HP:0100723.

Allele frequency attached by ClinVar (database versions not stated): TOPMed below 0.00001; gnomAD 0.00001; gnomAD exomes 0.00001.
gnomAD v4.1: 9 of 1,613,584 alleles (0.00056%); highest among the groups gnomAD compares: Non-Finnish European, 0.00076%; no homozygotes.

Submissions (2):

Ambry Genetics
Classification: Uncertain significance for Hereditary cancer-predisposing syndrome. Last evaluated: 2025-05-08. Review status: criteria provided, single submitter. Criteria: Ambry Variant Classification Scheme 2023. Collection method: clinical testing. Allele origin: germline.
Comment: The p.D759G variant (also known as c.2276A>G), located in coding exon 16 of the KIT gene, results from an A to G substitution at nucleotide position 2276. The aspartic acid at codon 759 is replaced by glycine, an amino acid with similar properties. This amino acid position is not well conserved in available vertebrate species. In addition, the in silico prediction for this alteration is inconclusive. Based on the available evidence, the clinical significance of this variant remains unclear.

Labcorp Genetics (formerly Invitae), Labcorp
Classification: Uncertain significance for Gastrointestinal stromal tumor. Last evaluated: 2022-06-18. Review status: criteria provided, single submitter. Criteria: Invitae Variant Classification Sherloc (09022015). Collection method: clinical testing. Allele origin: germline.
Comment: This sequence change replaces aspartic acid, which is acidic and polar, with glycine, which is neutral and non-polar, at codon 759 of the KIT protein (p.Asp759Gly). This variant is not present in population databases (gnomAD no frequency). This variant has not been reported in the literature in individuals affected with KIT-related conditions. Algorithms developed to predict the effect of missense changes on protein structure and function are either unavailable or do not agree on the potential impact of this missense change (SIFT: "Deleterious"; PolyPhen-2: "Benign"; Align-GVGD: "Class C15"). In summary, the available evidence is currently insufficient to determine the role of this variant in disease. Therefore, it has been classified as a Variant of Uncertain Significance.

NM_000222.3(KIT):c.2276A>G (p.Asp759Gly)

Gene: KIT (KIT proto-oncogene, receptor tyrosine kinase; plus strand). Cytogenetic location: 4q12.
Variant type: single nucleotide variant.
Coding change: c.2276A>G on transcript NM_000222.3 (MANE Select); coding-DNA position 2276, A replaced by G.
Protein change: p.Asp759Gly; replaces aspartic acid 759 with glycine.
Molecular consequence: missense variant.
Genome position (GRCh38, 1-based): chr4:54,731,913, A>G. VCF-style: chr4-54731913-A-G. GRCh37 (hg19) VCF-style: chr4-55598079-A-G.
Other names: c.2264A>G, p.Asp755Gly (NM_001093772.2, NM_001385292.1); c.2279A>G, p.Asp760Gly (NM_001385284.1); c.2273A>G, p.Asp758Gly (NM_001385285.1); c.2261A>G, p.Asp754Gly (NM_001385286.1); c.2267A>G, p.Asp756Gly (NM_001385288.1); c.2276A>G, p.Asp759Gly (NM_001385290.1); short protein forms D754G, D756G, D759G, D760G, D755G, D758G.
Identifiers: ClinVar variation 2008188 (VCV002008188.5), dbSNP rs1448485735, ClinGen allele CA356910902.